The following is an entry in ClinVar:

ClinVar aggregate classification (germline): Uncertain significance (1 of 4 stars; one submission).

Submission:

Labcorp Genetics (formerly Invitae), Labcorp
Classification: Uncertain significance. Last evaluated: 2024-07-29. Review status: criteria provided, single submitter. Criteria: Invitae Variant Classification Sherloc (09022015). Collection method: clinical testing. Allele origin: germline.
Comment: This sequence change replaces proline, which is neutral and non-polar, with serine, which is neutral and polar, at codon 5 of the TAX1BP3 protein (p.Pro5Ser). This variant is not present in population databases (gnomAD no frequency). This variant has not been reported in the literature in individuals affected with TAX1BP3-related conditions. An algorithm developed to predict the effect of missense changes on protein structure and function (PolyPhen-2) suggests that this variant is likely to be tolerated. In summary, the available evidence is currently insufficient to determine the role of this variant in disease. Therefore, it has been classified as a Variant of Uncertain Significance.

NM_014604.4(TAX1BP3):c.13C>T (p.Pro5Ser)

Genes: P2RX5-TAX1BP3 (P2RX5-TAX1BP3 readthrough (NMD candidate); minus strand), TAX1BP3 (Tax1 binding protein 3; minus strand). Cytogenetic location: 17p13.2.
Variant type: single nucleotide variant.
Coding change: c.13C>T on transcript NM_014604.4 (MANE Select); coding-DNA position 13, C replaced by T.
Protein change: p.Pro5Ser; replaces proline 5 with serine.
Molecular consequence: missense variant.
Genome position (GRCh38, 1-based): chr17:3,668,514, G>A on the plus strand (C>T on the coding strand, the complement: TAX1BP3 is on the minus strand). VCF-style: chr17-3668514-G-A. GRCh37 (hg19) VCF-style: chr17-3571808-G-A.
Other names: c.13C>T, p.Pro5Ser (NM_001204698.2); short protein forms P5S.
Identifiers: ClinVar variation 3726847 (VCV003726847.2).